The following is an entry in ClinVar:

NM_000535.7(PMS2):c.1756T>A (p.Ser586Thr)

Gene: PMS2 (PMS1 homolog 2, mismatch repair system component; minus strand). Cytogenetic location: 7p22.1.
Variant type: single nucleotide variant.
Coding change: c.1756T>A on transcript NM_000535.7 (MANE Select); coding-DNA position 1756, T replaced by A.
Protein change: p.Ser586Thr; replaces serine 586 with threonine.
Molecular consequence: missense variant. On other transcripts: non-coding transcript variant (1).
Genome position (GRCh38, 1-based): chr7:5,987,009, A>T on the plus strand (T>A on the coding strand, the complement: PMS2 is on the minus strand). VCF-style: chr7-5987009-A-T. GRCh37 (hg19) VCF-style: chr7-6026640-A-T.
Other names: c.1351T>A, p.Ser451Thr (NM_001406899.1, NM_001406908.1, NM_001406910.1 and 17 more transcripts); c.1291T>A, p.Ser431Thr (NM_001406900.1); c.1282T>A, p.Ser428Thr (NM_001406901.1, NM_001406902.1); c.1438T>A, p.Ser480Thr (NM_001406903.1, NM_001322007.2, NM_001322008.2 and 2 more transcripts); c.1243T>A, p.Ser415Thr (NM_001406904.1, NM_001406905.1); c.1195T>A, p.Ser399Thr (NM_001406906.1, NM_001406907.1, NM_001322010.2); c.1183T>A, p.Ser395Thr (NM_001406909.1, NM_001322013.2); c.985T>A, p.Ser329Thr (NM_001406911.1); and 12 more; short protein forms S395T, S399T, S428T, S474T, S530T, S534T, S550T, S648T.
Identifiers: ClinVar variation 1779479 (VCV001779479.2), dbSNP rs1562627766, ClinGen allele CA366740014.
Genomic context (GRCh38, chr7:5,987,009, plus strand): 5'-CAACCTGAGAGGCTGACATGTCCTGAGTATTTACTAACTTTTGACAAATGTCAGAACTGG[A>T]AAGAATTTCTTCTTTTTTAAAACGCTTTGTGTTTGGGGTTGCGAGATTAGTTGGCTGAGG-3'
Protein context (NP_000526.2, residues 576-596): TKRFKKEEIL[Ser586Thr]SSDICQKLVN

ClinVar aggregate classification (germline): Uncertain significance (1 of 4 stars; one submission).

Conditions:
Hereditary cancer-predisposing syndrome. Also called: Neoplastic Syndromes, Hereditary; Tumor predisposition; Hereditary Cancer Syndrome; Hereditary neoplastic syndrome. Identifiers: Orphanet 140162, MedGen C0027672, MeSH D009386, MONDO:0015356.

Submission:

Ambry Genetics
Classification: Uncertain significance for Hereditary cancer-predisposing syndrome. Last evaluated: 2021-06-08. Review status: criteria provided, single submitter. Criteria: Ambry Variant Classification Scheme 2023. Collection method: clinical testing. Allele origin: germline.
Comment: The p.S586T variant (also known as c.1756T>A), located in coding exon 11 of the PMS2 gene, results from a T to A substitution at nucleotide position 1756. The serine at codon 586 is replaced by threonine, an amino acid with similar properties. This amino acid position is not well conserved in available vertebrate species. In addition, this alteration is predicted to be tolerated by in silico analysis. Since supporting evidence is limited at this time, the clinical significance of this alteration remains unclear.